The following is an entry in ClinVar:

ClinVar aggregate classification (germline): Uncertain significance. Review status: criteria provided, multiple submitters, no conflicts (2 of 4 stars). 3 submissions from 3 submitters: Uncertain significance (3). Last evaluated 2025-11-24.

Conditions:
Hereditary cancer-predisposing syndrome. Also called: Neoplastic Syndromes, Hereditary; Tumor predisposition; Hereditary Cancer Syndrome; Hereditary neoplastic syndrome. Identifiers: Orphanet 140162, MedGen C0027672, MeSH D009386, MONDO:0015356.
Ataxia-telangiectasia syndrome (AT). Also called: ATAXIA-TELANGIECTASIA, COMPLEMENTATION GROUP A; ATAXIA-TELANGIECTASIA, FRESNO VARIANT; Ataxia-telangiectasia; Ataxia-telangiectasia, complementation group D; AT, COMPLEMENTATION GROUP C; Ataxia-telangiectasia, complementation group E. Identifiers: Orphanet 100, MedGen C0004135, MONDO:0008840, OMIM 208900.

Allele frequency attached by ClinVar (database versions not stated): gnomAD exomes below 0.00001.
gnomAD v4.1: 1 of 1,613,656 alleles (0.000062%); highest among the groups gnomAD compares: East Asian, 0.0022%; no homozygotes.

Submissions (3):

Color Diagnostics, LLC DBA Color Health
Classification: Uncertain significance for Hereditary cancer-predisposing syndrome. Last evaluated: 2025-11-24. Review status: criteria provided, single submitter. Criteria: ACMG Guidelines, 2015. Collection method: clinical testing. Allele origin: germline.
Comment: This missense variant replaces isoleucine with methionine at codon 352 of the ATM protein. Computational prediction suggests that this variant may not impact protein structure and function. To our knowledge, functional studies have not been reported for this variant. This variant has been reported in individuals tested for hereditary breast and ovarian cancer (PMID: 31742824). This variant has been identified in 1/1613656 chromosomes in the general population by the Genome Aggregation Database (gnomAD). The available evidence is insufficient to determine the role of this variant in disease conclusively. Therefore, this variant is classified as a Variant of Uncertain Significance.

Labcorp Genetics (formerly Invitae), Labcorp
Classification: Uncertain significance for Ataxia-telangiectasia syndrome. Last evaluated: 2022-08-09. Review status: criteria provided, single submitter. Criteria: Invitae Variant Classification Sherloc (09022015). Collection method: clinical testing. Allele origin: germline.
Comment: This sequence change replaces isoleucine, which is neutral and non-polar, with methionine, which is neutral and non-polar, at codon 352 of the ATM protein (p.Ile352Met). This variant is not present in population databases (gnomAD no frequency). This variant has not been reported in the literature in individuals affected with ATM-related conditions. ClinVar contains an entry for this variant (Variation ID: 524261). Advanced modeling of protein sequence and biophysical properties (such as structural, functional, and spatial information, amino acid conservation, physicochemical variation, residue mobility, and thermodynamic stability) performed at Invitae indicates that this missense variant is not expected to disrupt ATM protein function. In summary, the available evidence is currently insufficient to determine the role of this variant in disease. Therefore, it has been classified as a Variant of Uncertain Significance.

Ambry Genetics
Classification: Uncertain significance for Hereditary cancer-predisposing syndrome. Last evaluated: 2021-06-24. Review status: criteria provided, single submitter. Criteria: Ambry Variant Classification Scheme 2023. Collection method: clinical testing. Allele origin: germline.
Comment: The p.I352M variant (also known as c.1056C>G), located in coding exon 7 of the ATM gene, results from a C to G substitution at nucleotide position 1056. The isoleucine at codon 352 is replaced by methionine, an amino acid with highly similar properties. This amino acid position is poorly conserved in available vertebrate species. In addition, this alteration is predicted to be tolerated by in silico analysis. This variant was identified in a cohort of 882 Chinese individuals with a personal and/or family history of breast or ovarian cancers who underwent multi-gene panel testing for HBOC risk assessment (Shao D et al. Cancer Sci, 2020 Feb;111:647-657). Since supporting evidence is limited at this time, the clinical significance of this alteration remains unclear.

Literature cited by the submitters: PubMed 31742824 (cited by Color Diagnostics, LLC DBA Color Health and Ambry Genetics).

NM_000051.4(ATM):c.1056C>G (p.Ile352Met)

Gene: ATM (ATM serine/threonine kinase; plus strand). Cytogenetic location: 11q22.3.
Variant type: single nucleotide variant.
Coding change: c.1056C>G on transcript NM_000051.4 (MANE Select); coding-DNA position 1056, C replaced by G.
Protein change: p.Ile352Met; replaces isoleucine 352 with methionine.
Molecular consequence: missense variant.
Genome position (GRCh38, 1-based): chr11:108,247,118, C>G. VCF-style: chr11-108247118-C-G. GRCh37 (hg19) VCF-style: chr11-108117845-C-G.
Other names: c.1056C>G, p.Ile352Met (NM_001351834.2); short protein forms I352M.
Identifiers: ClinVar variation 524261 (VCV000524261.11), dbSNP rs1555068605, ClinGen allele CA382531804.